The following is an entry in ClinVar:

NM_005144.5(HR):c.2567G>A (p.Arg856Gln)

Gene: HR (HR lysine demethylase and nuclear receptor corepressor; minus strand). Cytogenetic location: 8p21.3.
Variant type: single nucleotide variant.
Coding change: c.2567G>A on transcript NM_005144.5 (MANE Select); coding-DNA position 2567, G replaced by A.
Protein change: p.Arg856Gln; replaces arginine 856 with glutamine.
Molecular consequence: missense variant.
Genome position (GRCh38, 1-based): chr8:22,120,759, C>T on the plus strand (G>A on the coding strand, the complement: HR is on the minus strand). VCF-style: chr8-22120759-C-T. GRCh37 (hg19) VCF-style: chr8-21978272-C-T.
Other names: c.2567G>A, p.Arg856Gln (NM_018411.4); short protein forms R856Q.
Identifiers: ClinVar variation 4272119 (VCV004272119.5).

ClinVar aggregate classification (germline): Likely benign. Review status: criteria provided, multiple submitters, no conflicts (2 of 4 stars). 2 submissions from 2 submitters: Likely benign (2). Last evaluated 2026-02-01.

Conditions:
Inborn genetic diseases. Identifiers: MedGen C0950123, MeSH D030342.

gnomAD v4.1: 42 of 1,518,600 alleles (0.0028%); highest among the groups gnomAD compares: Admixed American, 0.0062%; no homozygotes.

Submissions (2):

CeGaT Center for Human Genetics Tuebingen
Classification: Likely benign. Last evaluated: 2026-02-01. Review status: criteria provided, single submitter. Criteria: CeGaT Center For Human Genetics Tuebingen Variant Classification Criteria Version 2. Collection method: clinical testing. Allele origin: germline. Affected: yes. Observed: 1 variant allele.
Comment: HR: BP4

Ambry Genetics
Classification: Likely benign for Inborn genetic diseases. Last evaluated: 2025-06-22. Review status: criteria provided, single submitter. Criteria: Ambry Variant Classification Scheme 2023. Collection method: clinical testing. Allele origin: germline.